The following is an entry in ClinVar:

ClinVar aggregate classification (germline): Uncertain significance (1 of 4 stars; one submission).

Conditions:
Joubert syndrome. Also called: JOUBERT-BOLTSHAUSER SYNDROME; Familial aplasia of the vermis. Identifiers: Orphanet 475, MedGen C5979921, MONDO:0018772.
Meckel-Gruber syndrome. Also called: DYSENCEPHALIA SPLANCHNOCYSTICA; GRUBER SYNDROME; Dysencephalia splachnocystica. Identifiers: Orphanet 564, MedGen C0265215, MONDO:0018921.

Allele frequency attached by ClinVar (database versions not stated): gnomAD 0.00001; gnomAD exomes 0.00001 and 0.00002; ExAC 0.00003.
gnomAD v4.1: 21 of 1,613,194 alleles (0.0013%); highest among the groups gnomAD compares: South Asian, 0.023%; no homozygotes.

Submission:

Labcorp Genetics (formerly Invitae), Labcorp
Classification: Uncertain significance for Joubert syndrome; Meckel-Gruber syndrome. Last evaluated: 2021-08-31. Review status: criteria provided, single submitter. Criteria: Invitae Variant Classification Sherloc (09022015). Collection method: clinical testing. Allele origin: germline.
Comment: This sequence change replaces serine with proline at codon 1067 of the CC2D2A protein (p.Ser1067Pro). The serine residue is highly conserved and there is a moderate physicochemical difference between serine and proline. This variant is present in population databases (rs781259863, ExAC 0.02%). This variant has not been reported in the literature in individuals affected with CC2D2A-related conditions. Advanced modeling of protein sequence and biophysical properties (such as structural, functional, and spatial information, amino acid conservation, physicochemical variation, residue mobility, and thermodynamic stability) performed at Invitae indicates that this missense variant is expected to disrupt CC2D2A protein function. In summary, the available evidence is currently insufficient to determine the role of this variant in disease. Therefore, it has been classified as a Variant of Uncertain Significance.

NM_001378615.1(CC2D2A):c.3199T>C (p.Ser1067Pro)

Genes: CC2D2A (coiled-coil and C2 domain containing 2A; plus strand), FBXL5 (F-box and leucine rich repeat protein 5; minus strand). Cytogenetic location: 4p15.32.
Variant type: single nucleotide variant.
Coding change: c.3199T>C on transcript NM_001378615.1 (MANE Select); coding-DNA position 3199, T replaced by C.
Protein change: p.Ser1067Pro; replaces serine 1067 with proline.
Molecular consequence: missense variant.
Genome position (GRCh38, 1-based): chr4:15,567,393, T>C. VCF-style: chr4-15567393-T-C. GRCh37 (hg19) VCF-style: chr4-15569016-T-C.
Other names: c.3199T>C, p.Ser1067Pro (NM_001080522.2); c.3052T>C, p.Ser1018Pro (NM_001378617.1); short protein forms S1018P, S1067P.
Identifiers: ClinVar variation 1468737 (VCV001468737.5), dbSNP rs781259863, ClinGen allele CA2864104.